The following is an entry in ClinVar:

ClinVar aggregate classification (germline): Pathogenic (1 of 4 stars; one submission).

Submission:

Labcorp Genetics (formerly Invitae), Labcorp
Classification: Pathogenic. Last evaluated: 2022-07-05. Review status: criteria provided, single submitter. Criteria: Invitae Variant Classification Sherloc (09022015). Collection method: clinical testing. Allele origin: germline.
Comment: This variant is not present in population databases (gnomAD no frequency). This sequence change creates a premature translational stop signal (p.Trp757*) in the LRP5 gene. It is expected to result in an absent or disrupted protein product. Loss-of-function variants in LRP5 are known to be pathogenic (PMID: 11719191, 16252235, 25711638). This premature translational stop signal has been observed in individual(s) with autosomal recessive osteoporosis-pseudoglioma syndrome (PMID: 26904320). For these reasons, this variant has been classified as Pathogenic. ClinVar contains an entry for this variant (Variation ID: 1068481).

Literature cited by the submitters: PubMed 11719191; PubMed 16252235; PubMed 25711638; PubMed 26904320.

NM_002335.4(LRP5):c.2270G>A (p.Trp757Ter)

Gene: LRP5 (LDL receptor related protein 5; plus strand). Cytogenetic location: 11q13.2.
Variant type: single nucleotide variant.
Coding change: c.2270G>A on transcript NM_002335.4 (MANE Select); coding-DNA position 2270, G replaced by A.
Protein change: p.Trp757Ter; replaces tryptophan 757 with a stop codon.
Molecular consequence: nonsense.
Genome position (GRCh38, 1-based): chr11:68,410,092, G>A. VCF-style: chr11-68410092-G-A. GRCh37 (hg19) VCF-style: chr11-68177560-G-A.
Other names: c.527G>A, p.Trp176Ter (NM_001291902.2); short protein forms W176*, W757*.
Identifiers: ClinVar variation 1068481 (VCV001068481.9), dbSNP rs2153166493, ClinGen allele CA381616636.